The following is an entry in ClinVar:

ClinVar aggregate classification (germline): Pathogenic. Review status: reviewed by expert panel (3 of 4 stars). 2 submissions from 2 submitters: Pathogenic (1). 1 of the submissions does not count toward it. Last evaluated 2016-10-18.

Conditions:
Breast-ovarian cancer, familial, susceptibility to, 2 (BROVCA2). Also called: BRCA2 Hereditary Breast and Ovarian Cancer. Identifiers: Orphanet 145, MedGen C2675520, MONDO:0012933, OMIM 612555. Disease mechanism: loss of function.

Submissions (2):

Evidence-based Network for the Interpretation of Germline Mutant Alleles (ENIGMA)
Classification: Pathogenic for Breast-ovarian cancer, familial, susceptibility to, 2. Last evaluated: 2016-10-18. Review status: reviewed by expert panel. Criteria: ENIGMA BRCA1/2 Classification Criteria (2015). Collection method: curation. Allele origin: germline.
Comment: Variant allele predicted to encode a truncated non-functional protein.

Consortium of Investigators of Modifiers of BRCA1/2 (CIMBA), c/o University of Cambridge
Classification: Pathogenic for Breast-ovarian cancer, familial, susceptibility to, 2. Last evaluated: 2015-10-02. Review status: criteria provided, single submitter. Criteria: CIMBA Mutation Classification guidelines May 2016. Collection method: clinical testing. Allele origin: germline. Not counted in ClinVar's aggregate classification.

NM_000059.4(BRCA2):c.3866_3867del (p.Lys1289fs)

Gene: BRCA2 (BRCA2 DNA repair associated; plus strand). Cytogenetic location: 13q13.1.
Variant type: Deletion.
Coding change: c.3866_3867del on transcript NM_000059.4 (MANE Select); coding-DNA positions 3866 to 3867, 2 bases deleted (AA; older notation c.3866_3867delAA).
Protein change: p.Lys1289fs; shifts the reading frame from lysine 1289.
Molecular consequence: frameshift variant.
Genome position (GRCh38, 1-based): chr13:32,338,221-32,338,222, AA deleted; deleting any 2 consecutive bases within chr13:32,338,220-32,338,222 gives the same sequence; the c. name uses the placement nearest the transcript's 3' end. VCF-style (leftmost placement, unchanged base first): chr13-32338219-TAA-T. GRCh37 (hg19) VCF-style: chr13-32912356-TAA-T.
Other names: 4094delAA; c.3866_3867delAA (NM_000059.3).
Identifiers: ClinVar variation 51549 (VCV000051549.7), dbSNP rs397507694, ClinGen allele CA019031.